The following is an entry in ClinVar:

NM_001256317.3(TMPRSS3):c.1033del (p.Ala345fs)

Gene: TMPRSS3 (transmembrane serine protease 3; minus strand). Cytogenetic location: 21q22.3.
Variant type: Deletion.
Coding change: c.1033del on transcript NM_001256317.3 (MANE Select); coding-DNA position 1033, one base deleted (G; older notation c.1033delG).
Protein change: p.Ala345fs; shifts the reading frame from alanine 345.
Molecular consequence: frameshift variant.
Genome position (GRCh38, 1-based): chr21:42,380,132, C deleted on the plus strand (G on the coding strand, the reverse complement: TMPRSS3 is on the minus strand); the first of 6 consecutive C bases (chr21:42,380,132-42,380,137); deleting any one gives the same sequence. VCF-style (leftmost placement, unchanged base first): chr21-42380131-GC-G. GRCh37 (hg19) VCF-style: chr21-43800240-GC-G.
Other names: c.1033del, p.Ala345fs (NM_024022.4); c.652del, p.Ala218fs (NM_032404.3); short protein forms A345fs, A218fs.
Identifiers: ClinVar variation 1454926 (VCV001454926.6), dbSNP rs768759797, ClinGen allele CA2573157559.
Genomic context (GRCh38, chr21:42,380,131, plus strand): 5'-GGGTTCTGAGCCCCTGGACTCCGAATCTTGGCTTCAGCCCACTGACCTCCATCCTCTGTG[GC>G]CCCCCATCCTGACGTCCAGCACACTTTTCCATCGGGGAAGTTCTCTTCAGAGTTGGGCAG-3'

ClinVar aggregate classification (germline): Pathogenic (1 of 4 stars; one submission).

Submission:

Labcorp Genetics (formerly Invitae), Labcorp
Classification: Pathogenic. Last evaluated: 2022-02-22. Review status: criteria provided, single submitter. Criteria: Invitae Variant Classification Sherloc (09022015). Collection method: clinical testing. Allele origin: germline.
Comment: For these reasons, this variant has been classified as Pathogenic. This variant has not been reported in the literature in individuals affected with TMPRSS3-related conditions. This variant is not present in population databases (gnomAD no frequency). This sequence change creates a premature translational stop signal (p.Ala345Profs*13) in the TMPRSS3 gene. It is expected to result in an absent or disrupted protein product. Loss-of-function variants in TMPRSS3 are known to be pathogenic (PMID: 16021470, 26969326).

Literature cited by the submitters: PubMed 16021470; PubMed 26969326.